The following is an entry in ClinVar:

NM_001378454.1(ALMS1):c.36GGA[8] (p.Glu24_Glu28del)

Gene: ALMS1 (ALMS1 centrosome and basal body associated protein; plus strand). Cytogenetic location: 2p13.1.
Variant type: Microsatellite.
Coding change: c.36GGA[8] on transcript NM_001378454.1 (MANE Select); eight copies in a row of the 3-base unit GGA starting at c.36; the reference has 13 copies in a row; five copies, 15 bases deleted.
Protein change: p.Glu24_Glu28del.
Molecular consequence: inframe deletion.
Genome position (GRCh38, 1-based): chr2:73,385,928-73,385,942, GGAGGAGGAGGAGGA deleted; deleting any 15 consecutive bases within chr2:73,385,904-73,385,942 gives the same sequence; the position shown is the placement nearest the transcript's 3' end. VCF-style (leftmost placement, unchanged base first): chr2-73385903-TGGAGGAGGAGGAGGA-T. GRCh37 (hg19) VCF-style: chr2-73613031-TGGAGGAGGAGGAGGA-T.
Other names: c.36GGA[9], p.Glu25_Glu29del (NM_015120.4); c.60_77del18 (NM_015120.4); c.57_74del18 (NM_015120.4); c.60_77delGGAGGAGGAGGAGGAGGA (NM_015120.4).
Identifiers: ClinVar variation 241004 (VCV000241004.10), dbSNP rs55889738, ClinGen allele CA1712723.

ClinVar aggregate classification (germline): Conflicting classifications of pathogenicity. Review status: criteria provided, conflicting classifications (1 of 4 stars). 4 submissions from 4 submitters: Uncertain significance (1); Benign (1); Likely benign (2). Last evaluated 2024-11-18.

Conditions:
Cardiovascular phenotype. Identifiers: MedGen CN230736.

Submissions (4):

Blueprint Genetics
Classification: Likely benign. Last evaluated: 2024-11-18. Review status: criteria provided, single submitter. Criteria: ACMG Guidelines, 2015. Collection method: clinical testing. Allele origin: germline.

GeneDx
Classification: Likely benign. Last evaluated: 2022-03-03. Review status: criteria provided, single submitter. Criteria: GeneDx Variant Classification Process June 2021. Collection method: clinical testing. Allele origin: germline. Affected: yes.

Women's Health and Genetics/Laboratory Corporation of America, LabCorp
Classification: Uncertain significance. Last evaluated: 2021-05-17. Review status: criteria provided, single submitter. Criteria: LabCorp Variant Classification Summary - May 2015. Collection method: clinical testing. Allele origin: germline.
Comment: Variant summary: ALMS1 c.57_74del18 (p.Glu23_Glu28del) results in an in-frame deletion that is predicted to remove six amino acids from the repeat region of encoded protein. The variant was absent in 83366 control chromosomes (gnomAD). The available data on variant occurrences in the general population are insufficient to allow any conclusion about variant significance. To our knowledge, no occurrence of c.57_74del18 in individuals affected with Alstrom Syndrome With Dilated Cardiomyopathy and no experimental evidence demonstrating its impact on protein function have been reported. One co-occurrence with another pathogenic variant has been reported internally (MYBPC3 c.1227-13G>A), providing supporting evidence for a benign role. No clinical diagnostic laboratories have submitted clinical-significance assessments for this variant to ClinVar after 2014. Based on the evidence outlined above, the variant was classified as uncertain significance.

Ambry Genetics
Classification: Benign for Cardiovascular phenotype. Last evaluated: 2020-05-15. Review status: criteria provided, single submitter. Criteria: Ambry Variant Classification Scheme 2023. Collection method: clinical testing. Allele origin: germline.